The following is an entry in ClinVar:

ClinVar aggregate classification (germline): Uncertain significance. Review status: criteria provided, multiple submitters, no conflicts (2 of 4 stars). 2 submissions from 2 submitters: Uncertain significance (2). Last evaluated 2026-08-06.

Conditions:
Intellectual developmental disorder with language impairment and early-onset DOPA-responsive dystonia-parkinsonism (IDLDP). Identifiers: Orphanet 660017, MedGen C5677001, MONDO:0859257, OMIM 619911.
Inborn genetic diseases. Identifiers: MedGen C0950123, MeSH D030342.

Submissions (2):

OLLIN Analises Genomicas, OLLIN
Classification: Uncertain significance for Intellectual developmental disorder with language impairment and early-onset DOPA-responsive dystonia-parkinsonism. Last evaluated: 2026-08-06. Review status: criteria provided, single submitter. Criteria: ACMG Guidelines 2015 PMID 25741868. Collection method: clinical testing. Allele origin: germline.
Comment: This missense variant, located in exon 3 (of 8), has been reported in ClinVar (accession VCV003921679.1) and in gnomAD with an allele frequency of 0.00019%. However, to our knowledge, it has not been reported in the scientific literature. In silico analysis predicts that this variant has a tolerated effect. According to the currently available evidence, this variant has been classified as uncertain significance (BP4_M).

Ambry Genetics
Classification: Uncertain significance for Inborn genetic diseases. Last evaluated: 2025-06-07. Review status: criteria provided, single submitter. Criteria: Ambry Variant Classification Scheme 2023. Collection method: clinical testing. Allele origin: germline.

NM_006186.4(NR4A2):c.205A>G (p.Thr69Ala)

Gene: NR4A2 (nuclear receptor subfamily 4 group A member 2; minus strand). Cytogenetic location: 2q24.1.
Variant type: single nucleotide variant.
Coding change: c.205A>G on transcript NM_006186.4 (MANE Select); coding-DNA position 205, A replaced by G.
Protein change: p.Thr69Ala; replaces threonine 69 with alanine.
Molecular consequence: missense variant.
Genome position (GRCh38, 1-based): chr2:156,329,982, T>C on the plus strand (A>G on the coding strand, the complement: NR4A2 is on the minus strand). VCF-style: chr2-156329982-T-C. GRCh37 (hg19) VCF-style: chr2-157186494-T-C.
Other names: c.16A>G, p.Thr6Ala (NM_173173.3); short protein forms T69A, T6A.
Identifiers: ClinVar variation 3921679 (VCV003921679.2).
Genomic context (GRCh38, chr2:156,329,982, plus strand): 5'-AGGACTGCTGTCCGGACAGGGGCATTTGGTACAAGCAAGGTGGCTTGACGTCGTAGCCTG[T>C]GCTGTAGTTGTCCATAAAGGTACTGAAGCTGGGGAGAGAAGTGGTGGCAGTGATTTCAGT-3'
Protein context (NP_006177.1, residues 59-79): SFSTFMDNYS[Thr69Ala]GYDVKPPCLY